The following is an entry in ClinVar:

ClinVar aggregate classification (germline): Uncertain significance. Review status: criteria provided, multiple submitters, no conflicts (2 of 4 stars). 4 submissions from 4 submitters: Uncertain significance (4). Last evaluated 2025-08-08.

Conditions:
Autosomal recessive inherited pseudoxanthoma elasticum (PXE). Identifiers: Orphanet 758, MedGen CN032334, MONDO:0009925, OMIM 264800.
Pseudoxanthoma elasticum, forme fruste. Also called: PSEUDOXANTHOMA ELASTICUM, HETEROZYGOUS; Pseudoxanthoma Elasticum, Incomplete. Identifiers: Orphanet 758, MedGen C1867450, MONDO:0008333, OMIM 177850.
Arterial calcification, generalized, of infancy, 2. Identifiers: Orphanet 51608, MedGen C3276161, MONDO:0013768, OMIM 614473.
Inborn genetic diseases. Identifiers: MedGen C0950123, MeSH D030342.

Allele frequency attached by ClinVar (database versions not stated): gnomAD 0.00003; ExAC 0.00004; TOPMed 0.00005; ESP Exome Variant Server 0.00008.
gnomAD v4.1: 56 of 1,611,202 alleles (0.0035%); highest among the groups gnomAD compares: East Asian, 0.0045%; no homozygotes.

Submissions (4):

Ambry Genetics
Classification: Uncertain significance for Inborn genetic diseases. Last evaluated: 2025-08-08. Review status: criteria provided, single submitter. Criteria: Ambry Variant Classification Scheme 2023. Collection method: clinical testing. Allele origin: germline.

Fulgent Genetics
Classification: Uncertain significance for Pseudoxanthoma elasticum, forme fruste; Autosomal recessive inherited pseudoxanthoma elasticum; Arterial calcification, generalized, of infancy, 2. Last evaluated: 2024-03-08. Review status: criteria provided, single submitter. Criteria: ACMG Guidelines, 2015. Collection method: clinical testing. Allele origin: germline.

Labcorp Genetics (formerly Invitae), Labcorp
Classification: Uncertain significance. Last evaluated: 2022-02-11. Review status: criteria provided, single submitter. Criteria: Invitae Variant Classification Sherloc (09022015). Collection method: clinical testing. Allele origin: germline.
Comment: In summary, the available evidence is currently insufficient to determine the role of this variant in disease. Therefore, it has been classified as a Variant of Uncertain Significance. Algorithms developed to predict the effect of missense changes on protein structure and function are either unavailable or do not agree on the potential impact of this missense change (SIFT: "Tolerated"; PolyPhen-2: "Probably Damaging"; Align-GVGD: "Class C0"). This variant has not been reported in the literature in individuals affected with ABCC6-related conditions. This variant is present in population databases (rs374113337, gnomAD 0.007%). This sequence change replaces arginine, which is basic and polar, with histidine, which is basic and polar, at codon 987 of the ABCC6 protein (p.Arg987His).

Blueprint Genetics
Classification: Uncertain significance. Last evaluated: 2021-10-15. Review status: criteria provided, single submitter. Criteria: ACMG Guidelines, 2015. Collection method: clinical testing. Allele origin: germline.

NM_001171.6(ABCC6):c.2960G>A (p.Arg987His)

Gene: ABCC6 (ATP binding cassette subfamily C member 6; minus strand). Cytogenetic location: 16p13.11.
Variant type: single nucleotide variant.
Coding change: c.2960G>A on transcript NM_001171.6 (MANE Select); coding-DNA position 2960, G replaced by A.
Protein change: p.Arg987His; replaces arginine 987 with histidine.
Molecular consequence: missense variant. On other transcripts: non-coding transcript variant (1).
Genome position (GRCh38, 1-based): chr16:16,169,681, C>T on the plus strand (G>A on the coding strand, the complement: ABCC6 is on the minus strand). VCF-style: chr16-16169681-C-T. GRCh37 (hg19) VCF-style: chr16-16263538-C-T.
Other names: c.2618G>A, p.Arg873His (NM_001351800.1); c.2960G>A (NM_001171.5); short protein forms R873H, R987H.
Identifiers: ClinVar variation 2145022 (VCV002145022.5), dbSNP rs374113337, ClinGen allele CA7925735.